The following is an entry in ClinVar:

NM_000083.3(CLCN1):c.696+1G>A

Gene: CLCN1 (chloride voltage-gated channel 1; plus strand). Cytogenetic location: 7q34.
Variant type: single nucleotide variant.
Coding change: c.696+1G>A on transcript NM_000083.3 (MANE Select); the canonical splice donor site of the intron after coding-DNA position 696, G replaced by A.
Molecular consequence: splice donor variant.
Genome position (GRCh38, 1-based): chr7:143,321,849, G>A. VCF-style: chr7-143321849-G-A. GRCh37 (hg19) VCF-style: chr7-143018942-G-A.
Identifiers: ClinVar variation 3759125 (VCV003759125.3).

ClinVar aggregate classification (germline): Pathogenic. Review status: criteria provided, multiple submitters, no conflicts (2 of 4 stars). 2 submissions from 2 submitters: Pathogenic (2). Last evaluated 2025-02-08.

Conditions:
Congenital myotonia, autosomal recessive form. Also called: Becker Generalized Myotonia; myotonia congenita, autosomal recessive; BECKER DISEASE. Identifiers: Orphanet 614, MedGen C0751360, MONDO:0009715, OMIM 255700.
Congenital myotonia, autosomal dominant form (THD). Also called: THOMSEN DISEASE; Myotonia congenita autosomal dominant. Identifiers: Orphanet 614, MedGen C2936781, MONDO:0008055, OMIM 160800.

Submissions (2):

Genetics and Genomic Medicine Centre, NeuroGen Healthcare, NeuroGen Healthcare
Classification: Pathogenic for Congenital myotonia, autosomal recessive form. Last evaluated: 2025-02-08. Review status: criteria provided, single submitter. Criteria: ACMG Guidelines, 2015. Collection method: clinical testing. Allele origin: unknown. Affected: yes.

Labcorp Genetics (formerly Invitae), Labcorp
Classification: Pathogenic for Congenital myotonia, autosomal recessive form; Congenital myotonia, autosomal dominant form. Last evaluated: 2025-01-21. Review status: criteria provided, single submitter. Criteria: Invitae Variant Classification Sherloc (09022015). Collection method: clinical testing. Allele origin: germline.
Comment: This sequence change affects a donor splice site in intron 5 of the CLCN1 gene. It is expected to disrupt RNA splicing. Variants that disrupt the donor or acceptor splice site typically lead to a loss of protein function (PMID: 16199547), and loss-of-function variants in CLCN1 are known to be pathogenic (PMID: 17932099, 22094069, 23739125). This variant is not present in population databases (gnomAD no frequency). Disruption of this splice site has been observed in individual(s) with autosomal recessive myotonia congenita (PMID: 22094069). In at least one individual the data is consistent with being in trans (on the opposite chromosome) from a pathogenic variant. Algorithms developed to predict the effect of sequence changes on RNA splicing suggest that this variant may disrupt the consensus splice site. For these reasons, this variant has been classified as Pathogenic.

Literature cited by the submitters: PubMed 16199547 (cited by Labcorp Genetics (formerly Invitae), Labcorp); PubMed 17932099 (cited by Labcorp Genetics (formerly Invitae), Labcorp); PubMed 22094069 (cited by Labcorp Genetics (formerly Invitae), Labcorp); PubMed 23739125 (cited by Labcorp Genetics (formerly Invitae), Labcorp).